The following is an entry in ClinVar:

ClinVar aggregate classification (germline): Uncertain significance (1 of 4 stars; one submission).

gnomAD v4.1: 2 of 1,613,456 alleles (0.00012%); highest among the groups gnomAD compares: East Asian, 0.0022%; no homozygotes.

Submission:

Labcorp Genetics (formerly Invitae), Labcorp
Classification: Uncertain significance. Last evaluated: 2025-06-24. Review status: criteria provided, single submitter. Criteria: Invitae Variant Classification Sherloc (09022015). Collection method: clinical testing. Allele origin: germline.
Comment: This sequence change replaces glutamic acid, which is acidic and polar, with glutamine, which is neutral and polar, at codon 467 of the KMT2E protein (p.Glu467Gln). This variant is not present in population databases (gnomAD no frequency). This variant has not been reported in the literature in individuals affected with KMT2E-related conditions. ClinVar contains an entry for this variant (Variation ID: 3680803). Invitae Evidence Modeling of protein sequence and biophysical properties (such as structural, functional, and spatial information, amino acid conservation, physicochemical variation, residue mobility, and thermodynamic stability) indicates that this missense variant is not expected to disrupt KMT2E protein function with a negative predictive value of 80%. In summary, the available evidence is currently insufficient to determine the role of this variant in disease. Therefore, it has been classified as a Variant of Uncertain Significance.

NM_182931.3(KMT2E):c.1399G>C (p.Glu467Gln)

Gene: KMT2E (lysine methyltransferase 2E (inactive); plus strand). Cytogenetic location: 7q22.3.
Variant type: single nucleotide variant.
Coding change: c.1399G>C on transcript NM_182931.3 (MANE Select); coding-DNA position 1399, G replaced by C.
Protein change: p.Glu467Gln; replaces glutamic acid 467 with glutamine.
Molecular consequence: missense variant.
Genome position (GRCh38, 1-based): chr7:105,090,049, G>C. VCF-style: chr7-105090049-G-C. GRCh37 (hg19) VCF-style: chr7-104730496-G-C.
Other names: c.1399G>C, p.Glu467Gln (NM_001410908.1, NM_018682.4); short protein forms E467Q.
Identifiers: ClinVar variation 3680803 (VCV003680803.2).